The following is an entry in ClinVar:

NM_000052.7(ATP7A):c.2279A>G (p.Tyr760Cys)

Gene: ATP7A (ATPase copper transporting alpha; plus strand). Cytogenetic location: Xq21.1.
Variant type: single nucleotide variant.
Coding change: c.2279A>G on transcript NM_000052.7 (MANE Select); coding-DNA position 2279, A replaced by G.
Protein change: p.Tyr760Cys; replaces tyrosine 760 with cysteine.
Molecular consequence: missense variant. On other transcripts: intron variant (1).
Genome position (GRCh38, 1-based): chrX:78,012,985, A>G. VCF-style: chrX-78012985-A-G. GRCh37 (hg19) VCF-style: chrX-77268482-A-G.
Other names: c.2279A>G (NM_000052.4); c.2172+1311A>G (NM_001282224.2); short protein forms Y760C.
Identifiers: ClinVar variation 533671 (VCV000533671.14), dbSNP rs782006661, ClinGen allele CA10459249.

ClinVar aggregate classification (germline): Conflicting classifications of pathogenicity. Review status: criteria provided, conflicting classifications (1 of 4 stars). 6 submissions from 6 submitters: Uncertain significance (2); Benign (1); Likely benign (1). 2 of the submissions do not count toward it. Last evaluated 2025-08-21.

Conditions:
Inborn genetic diseases. Identifiers: MedGen C0950123, MeSH D030342.
Menkes kinky-hair syndrome (MNK). Also called: Classic Menkes Disease; Copper transport disease; Menkes Disease. Identifiers: Orphanet 565, MedGen C0022716, MONDO:0010651, OMIM 309400.
Cutis laxa, X-linked (OHS). Also called: EDS IX; Occipital horn syndrome. Identifiers: Orphanet 198, MedGen C0268353, MONDO:0010572, OMIM 304150.
X-linked distal spinal muscular atrophy type 3. Also called: NEURONOPATHY, DISTAL HEREDITARY MOTOR, X-LINKED; NEUROPATHY, DISTAL HEREDITARY MOTOR, X-LINKED; ATP7A-Related Distal Motor Neuropathy; SPINAL MUSCULAR ATROPHY, DISTAL, X-LINKED RECESSIVE. Identifiers: Orphanet 139557, MedGen C1845359, MONDO:0010338, OMIM 300489.

Allele frequency attached by ClinVar (database versions not stated): gnomAD 0.00001; TOPMed 0.00001; gnomAD exomes 0.00002 and 0.00006; ExAC 0.00005.
gnomAD v4.1: 22 of 1,208,816 alleles (0.0018%); highest among the groups gnomAD compares: East Asian, 0.0089%; no homozygotes.

Submissions (6):

Labcorp Genetics (formerly Invitae), Labcorp
Classification: Benign for X-linked distal spinal muscular atrophy type 3; Cutis laxa, X-linked; Menkes kinky-hair syndrome. Last evaluated: 2025-08-21. Review status: criteria provided, single submitter. Criteria: Invitae Variant Classification Sherloc (09022015). Collection method: clinical testing. Allele origin: germline.

GeneDx
Classification: Uncertain significance. Last evaluated: 2023-03-13. Review status: criteria provided, single submitter. Criteria: GeneDx Variant Classification Process June 2021. Collection method: clinical testing. Allele origin: germline. Affected: yes.
Comment: Has been reported in at least one individual with ataxia, dystonia, spasticity and/or an extrapyramidal movement disorder in published literature (Bansagi et al., 2016; Bansagi et al., 2017); In silico analysis supports that this missense variant has a deleterious effect on protein structure/function; This variant is associated with the following publications: (PMID: 28251916, 27878136, 34426522, 33210134)

Revvity Omics, Revvity
Classification: Uncertain significance. Last evaluated: 2023-03-08. Review status: criteria provided, single submitter. Criteria: ACMG Guidelines, 2015. Collection method: clinical testing. Allele origin: germline.

Ambry Genetics
Classification: Likely benign for Inborn genetic diseases. Last evaluated: 2021-08-09. Review status: criteria provided, single submitter. Criteria: Ambry Variant Classification Scheme 2023. Collection method: clinical testing. Allele origin: germline.

Solve-RD Consortium
Classification: Likely pathogenic for X-linked distal spinal muscular atrophy type 3. Last evaluated: 2022-06-01. Review status: no assertion criteria provided. Collection method: provider interpretation. Allele origin: inherited. Affected: yes. Not counted in ClinVar's aggregate classification.
Comment: Variant confirmed as disease-causing by referring clinical team

Variant identified during reanalysis of unsolved cases by the Solve-RD project. The Solve-RD project has received funding from the European Union’s Horizon 2020 research and innovation programme under grant agreement No 779257.

Natera, Inc.
Classification: Uncertain significance for Distal spinal muscular atrophy, X-linked 3; Cutis laxa, X-linked; Menkes kinky-hair syndrome. Last evaluated: 2020-09-16. Review status: no assertion criteria provided. Collection method: clinical testing. Allele origin: germline. Not counted in ClinVar's aggregate classification.

Literature cited by the submitters: PubMed 27878136 (cited by Ambry Genetics); PubMed 39825153 (cited by Solve-RD Consortium).